The following is an entry in ClinVar:

NM_000152.5(GAA):c.1482A>G (p.Thr494=)

Gene: GAA (alpha glucosidase; plus strand). Cytogenetic location: 17q25.3.
Variant type: single nucleotide variant.
Coding change: c.1482A>G on transcript NM_000152.5 (MANE Select); coding-DNA position 1482, A replaced by G.
Protein change: p.Thr494=; no amino-acid change (threonine 494 retained).
Molecular consequence: synonymous variant.
Genome position (GRCh38, 1-based): chr17:80,110,771, A>G. VCF-style: chr17-80110771-A-G. GRCh37 (hg19) VCF-style: chr17-78084570-A-G.
Other names: c.1482A>G, p.Thr494= (NM_001079803.3, NM_001079804.3); c.1482A>G (LRG_673t1, NM_000152.4).
Identifiers: ClinVar variation 286163 (VCV000286163.53), dbSNP rs202064115, ClinGen allele CA8815353.
Genomic context (GRCh38, chr17:80,110,771, plus strand): 5'-GCCTCTCGTTGTCCAGGTATGGCCCGGGTCCACTGCCTTCCCCGACTTCACCAACCCCAC[A>G]GCCCTGGCCTGGTGGGAGGACATGGTGGCTGAGTTCCATGACCAGGTGCCCTTCGACGGC-3'
Protein context (NP_000143.2, residues 484-504): STAFPDFTNP[Thr494=]ALAWWEDMVA

ClinVar aggregate classification (germline): Conflicting classifications of pathogenicity. Review status: criteria provided, conflicting classifications (1 of 4 stars). 10 submissions from 10 submitters: Uncertain significance (1); Likely benign (7). 2 of the submissions do not count toward it. Last evaluated 2026-09-01.

Conditions:
Cardiovascular phenotype. Identifiers: MedGen CN230736.
Glycogen storage disease, type II (IOPD). Also called: POMPE DISEASE, INFANTILE-ONSET; GLYCOGEN STORAGE DISEASE II, INFANTILE-ONSET; ACID ALPHA-GLUCOSIDASE DEFICIENCY, INFANTILE-ONSET; GAA DEFICIENCY, INFANTILE-ONSET; ACID MALTASE DEFICIENCY, INFANTILE-ONSET; Glucosidase acid-1,4-alpha deficiency. Identifiers: Orphanet 365, MedGen C0017921, MONDO:0009290, OMIM 232300.
GAA-related disorder. Also called: GAA-related condition.

Allele frequency attached by ClinVar (database versions not stated): ExAC 0.00007; gnomAD exomes 0.00007 and 0.00008; gnomAD 0.00009; TOPMed 0.00009.

Submissions (10):

CeGaT Center for Human Genetics Tuebingen
Classification: Likely benign. Last evaluated: 2026-09-01. Review status: criteria provided, single submitter. Criteria: CeGaT Center For Human Genetics Tuebingen Variant Classification Criteria Version 2. Collection method: clinical testing. Allele origin: germline. Affected: yes. Observed: 4 variant alleles.
Comment: GAA: BP4, BP7

Labcorp Genetics (formerly Invitae), Labcorp
Classification: Likely benign for Glycogen storage disease, type II. Last evaluated: 2026-01-14. Review status: criteria provided, single submitter. Criteria: Invitae Variant Classification Sherloc (09022015). Collection method: clinical testing. Allele origin: germline.

Blueprint Genetics
Classification: Likely benign. Last evaluated: 2024-09-24. Review status: criteria provided, single submitter. Criteria: ACMG Guidelines, 2015. Collection method: clinical testing. Allele origin: germline.

Genome-Nilou Lab
Classification: Likely benign for Glycogen storage disease, type II. Last evaluated: 2021-07-22. Review status: criteria provided, single submitter. Criteria: ACMG Guidelines, 2015. Collection method: clinical testing. Allele origin: germline. Affected: no.

Ambry Genetics
Classification: Likely benign for Cardiovascular phenotype. Last evaluated: 2020-09-02. Review status: criteria provided, single submitter. Criteria: Ambry Variant Classification Scheme 2023. Collection method: clinical testing. Allele origin: germline.

Broad Center for Mendelian Genomics, Broad Institute of MIT and Harvard
Classification: Likely benign for Glycogen storage disease, type II. Last evaluated: 2020-01-22. Review status: criteria provided, single submitter. Criteria: ACMG Guidelines, 2015. Collection method: curation. Allele origin: germline. Inheritance: Autosomal recessive inheritance.
Comment: The c.1482A>G (p.Thr494=) variant in GAA has not been previously reported in individuals with Glycogen Storage Disease II but has been reported as a VUS by EGL Genetic Diagnostics and a likely benign variant by GeneDx and Invitae in ClinVar (Variation ID: 286163). This variant has been identified in 0.011% (4/35432) of Latino chromosomes and 0.011% (14/128952) of European (non-Finnish) chromosomes by the Genome Aggregation Database (gnomAD; dbSNP rs202064115). Although this variant has been seen in the general population, its frequency is low enough to be consistent with a recessive carrier frequency. Computational prediction tools and conservation analyses suggest that this variant may not impact the protein, though this information is not predictive enough to rule out pathogenicity. However, novel synonymous variants supported by computational evidence without raised suspicion for an impact are likely benign (Richards 2015). In summary, although additional studies are required to fully establish its clinical significance, this variant is likely benign. ACMG/AMP Criteria applied: PM2, BP4, BP7 (Richards 2015).

Eurofins Ntd Llc (ga)
Classification: Uncertain significance. Last evaluated: 2016-12-29. Review status: criteria provided, single submitter. Criteria: EGL Classification Definitions 2015. Collection method: clinical testing. Allele origin: germline. Observed: 2 variant alleles, 2 heterozygotes.

GeneDx
Classification: Likely benign. Last evaluated: 2016-12-06. Review status: criteria provided, single submitter. Criteria: GeneDx Variant Classification (06012015). Collection method: clinical testing. Allele origin: germline. Affected: yes.
Comment: This variant is considered likely benign or benign based on one or more of the following criteria: it is a conservative change, it occurs at a poorly conserved position in the protein, it is predicted to be benign by multiple in silico algorithms, and/or has population frequency not consistent with disease.

PreventionGenetics, part of Exact Sciences
Classification: Likely benign for GAA-related condition. Last evaluated: 2022-05-27. Review status: no assertion criteria provided. Collection method: clinical testing. Allele origin: germline. Not counted in ClinVar's aggregate classification.
Comment: This variant is classified as likely benign based on ACMG/AMP sequence variant interpretation guidelines (Richards et al. 2015 PMID: 25741868, with internal and published modifications).

Natera, Inc.
Classification: Likely benign for Glycogen storage disease type II. Last evaluated: 2019-11-11. Review status: no assertion criteria provided. Collection method: clinical testing. Allele origin: germline. Not counted in ClinVar's aggregate classification.